The following is an entry in ClinVar:

NM_001849.4(COL6A2):c.485_499del (p.Asp162_Thr166del)

Gene: COL6A2 (collagen type VI alpha 2 chain; plus strand). Cytogenetic location: 21q22.3.
Variant type: Deletion.
Coding change: c.485_499del on transcript NM_001849.4 (MANE Select); coding-DNA positions 485 to 499, 15 bases deleted (ACGGCCACGTCACCG).
Protein change: p.Asp162_Thr166del.
Molecular consequence: inframe deletion.
Genome position (GRCh38, 1-based): chr21:46,112,348-46,112,362, ACGGCCACGTCACCG deleted; deleting any 15 consecutive bases within chr21:46,112,342-46,112,362 gives the same sequence; the c. name uses the placement nearest the transcript's 3' end. VCF-style (leftmost placement, unchanged base first): chr21-46112341-ATCACCGACGGCCACG-A. GRCh37 (hg19) VCF-style: chr21-47532255-ATCACCGACGGCCACG-A.
Other names: c.485_499del, p.Asp162_Thr166del (NM_058174.3, NM_058175.3).
Identifiers: ClinVar variation 842567 (VCV000842567.10), dbSNP rs2078413886, ClinGen allele CA916081964.

ClinVar aggregate classification (germline): Uncertain significance (1 of 4 stars; one submission).

Conditions:
Bethlem myopathy 1A. Also called: MYOPATHY, BENIGN CONGENITAL, WITH CONTRACTURES; Bethlem Muscular Dystrophy; Bethlem myopathy 1. Identifiers: Orphanet 610, MedGen CN029274, MONDO:0024530, OMIM 158810.

Submission:

Labcorp Genetics (formerly Invitae), Labcorp
Classification: Uncertain significance for Bethlem myopathy 1A. Last evaluated: 2019-11-20. Review status: criteria provided, single submitter. Criteria: Invitae Variant Classification Sherloc (09022015). Collection method: clinical testing. Allele origin: germline.
Comment: In summary, the available evidence is currently insufficient to determine the role of this variant in disease. Therefore, it has been classified as a Variant of Uncertain Significance. Experimental studies and prediction algorithms are not available or were not evaluated, and the functional significance of this variant is currently unknown. This variant has not been reported in the literature in individuals with COL6A2-related conditions. This variant is not present in population databases (ExAC no frequency). This variant, c.485_499del, results in the deletion of 5 amino acid(s) of the COL6A2 protein (p.Asp162_Thr166del), but otherwise preserves the integrity of the reading frame.